The following is an entry in ClinVar:

NM_000179.3(MSH6):c.742del (p.Arg248fs)

Gene: MSH6 (mutS homolog 6; plus strand). Cytogenetic location: 2p16.3.
Variant type: Deletion.
Coding change: c.742del on transcript NM_000179.3 (MANE Select); coding-DNA position 742, one base deleted (C; older notation c.742delC).
Protein change: p.Arg248fs; shifts the reading frame from arginine 248.
Molecular consequence: frameshift variant. On other transcripts: 5 prime UTR variant (2).
Genome position (GRCh38, 1-based): chr2:47,798,725, C deleted. VCF-style (leftmost placement, unchanged base first): chr2-47798724-AC-A. GRCh37 (hg19) VCF-style: chr2-48025863-AC-A.
Other names: c.742delC (NM_000179.2); c.352del, p.Arg118fs (NM_001281492.2); c.-165del (NM_001281493.2, NM_001281494.2); short protein forms R118fs, R248fs.
Identifiers: ClinVar variation 141365 (VCV000141365.24), dbSNP rs587781691, ClinGen allele CA016397.
Genomic context (GRCh38, chr2:47,798,724, plus strand): 5'-TGAAGAGGAAGTACAGCCTAAGACACAAGGATCTAGGCGAAGTAGCCGCCAAATAAAAAA[AC>A]GAAGGGTCATATCAGATTCTGAGAGTGACATTGGTGGCTCTGATGTGGAATTTAAGCCAG-3'

ClinVar aggregate classification (germline): Pathogenic. Review status: criteria provided, multiple submitters, no conflicts (2 of 4 stars). 10 submissions from 10 submitters: Pathogenic (10). Last evaluated 2026-01-26.

Conditions:
Hereditary nonpolyposis colon cancer (HNPCC). Also called: Hereditary nonpolyposis colorectal cancer; Familial nonpolyposis colon cancer; Hereditary Nonpolyposis Colorectal Cancer Syndrome. Identifiers: Orphanet 443909, MedGen C1333990, MONDO:0018630. Disease mechanism: loss of function.
Hereditary nonpolyposis colorectal neoplasms. Identifiers: MedGen C0009405, MeSH D003123.
Hereditary cancer-predisposing syndrome. Also called: Neoplastic Syndromes, Hereditary; Hereditary Cancer Syndrome; Tumor predisposition; Hereditary neoplastic syndrome. Identifiers: Orphanet 140162, MedGen C0027672, MeSH D009386, MONDO:0015356.
Lynch syndrome. Identifiers: Orphanet 144, MedGen C4552100, MONDO:0005835. Disease mechanism: loss of function.
Lynch syndrome 5 (LYNCH5). Also called: Colorectal cancer, hereditary nonpolyposis, type 5; Hereditary non-polyposis colorectal cancer, type 5. Identifiers: Orphanet 144, MedGen C1833477, MONDO:0013710, OMIM 614350. Disease mechanism: loss of function.
Endometrial carcinoma. Also called: Endometrial carcinoma, somatic. Identifiers: MedGen C0476089, MONDO:0002447, OMIM 608089, HP:0012114.

Allele frequency attached by ClinVar (database versions not stated): ExAC 0.00001; gnomAD exomes below 0.00001; gnomAD 0.00001.

Submissions (10):

Labcorp Genetics (formerly Invitae), Labcorp
Classification: Pathogenic for Hereditary nonpolyposis colorectal neoplasms. Last evaluated: 2026-01-26. Review status: criteria provided, single submitter. Criteria: Invitae Variant Classification Sherloc (09022015). Collection method: clinical testing. Allele origin: germline.
Comment: This sequence change creates a premature translational stop signal (p.Arg248Glufs*31) in the MSH6 gene. It is expected to result in an absent or disrupted protein product. Loss-of-function variants in MSH6 are known to be pathogenic (PMID: 18269114, 24362816). This variant is present in population databases (rs587781691, gnomAD 0.004%). This premature translational stop signal has been observed in individual(s) with Lynch syndrome (PMID: 28514183). Invitae Evidence Modeling of clinical and family history, age, sex, and reported ancestry of multiple individuals with this MSH6 variant has been performed. This variant is expected to be pathogenic with a positive predictive value of at least 99%. This is a validated machine learning model that incorporates the clinical features of 1,627,235 individuals referred to our laboratory for MSH6 testing. ClinVar contains an entry for this variant (Variation ID: 141365). For these reasons, this variant has been classified as Pathogenic.

Ambry Genetics
Classification: Pathogenic for Hereditary cancer-predisposing syndrome. Last evaluated: 2024-11-07. Review status: criteria provided, single submitter. Criteria: Ambry Variant Classification Scheme 2023. Collection method: clinical testing. Allele origin: germline.
Comment: The c.742delC pathogenic mutation, located in coding exon 4 of the MSH6 gene, results from a deletion of one nucleotide at nucleotide position 742, causing a translational frameshift with a predicted alternate stop codon (p.R248Efs*31). This alteration was observed in a colorectal cancer cohort (AlDubayan SH et al. Am. J. Hum. Genet. 2018 Mar;102(3):401-414) and in an individual diagnosed with breast cancer (Lu HM et al. JAMA Oncol, 2019 01;5:51-57). In addition to the clinical data presented in the literature, this alteration is expected to result in loss of function by premature protein truncation or nonsense-mediated mRNA decay. As such, this alteration is interpreted as a disease-causing mutation.

All of Us Research Program, National Institutes of Health
Classification: Pathogenic for Lynch syndrome. Last evaluated: 2023-10-23. Review status: criteria provided, single submitter. Criteria: ACMG Guidelines, 2015. Collection method: clinical testing. Allele origin: germline. Inheritance: Autosomal dominant inheritance. Observed: 1 variant allele, 1 heterozygote.
Comment: This variant deletes 1 nucleotide in exon 4 of the MSH6 gene, creating a premature translation stop signal. This variant is expected to result in an absent or non-functional protein product. This variant has been observed in individuals affected with breast, colorectal, and unspecified cancers (PMID: 29478780, 29625052, 30128536, 35070997). This variant has been identified in 2/282566 chromosomes in the general population by the Genome Aggregation Database (gnomAD). Loss of MSH6 function is a known mechanism of disease. Based on the available evidence, this variant is classified as Pathogenic.

This study involves interpretation of variants in research participants for the purpose of population health screening. Participant phenotype was not available at the time of variant classification. Additional details can be found in publication PMID: 35346344, PMCID: PMC8962531

Myriad Genetics, Inc.
Classification: Pathogenic for Lynch syndrome 5. Last evaluated: 2023-08-10. Review status: criteria provided, single submitter. Criteria: Myriad Autosomal Dominant, Autosomal Recessive and X-Linked Classification Criteria (2023). Collection method: clinical testing. Allele origin: unknown.
Comment: This variant is considered pathogenic. This variant creates a frameshift predicted to result in premature protein truncation.

Baylor Genetics
Classification: Pathogenic for Endometrial carcinoma. Last evaluated: 2023-03-20. Review status: criteria provided, single submitter. Criteria: ACMG Guidelines, 2015. Collection method: clinical testing. Allele origin: unknown.

GeneDx
Classification: Pathogenic. Last evaluated: 2023-03-17. Review status: criteria provided, single submitter. Criteria: GeneDx Variant Classification Process June 2021. Collection method: clinical testing. Allele origin: germline. Affected: yes.
Comment: Frameshift variant predicted to result in protein truncation or nonsense mediated decay in a gene for which loss of function is a known mechanism of disease; Not observed at significant frequency in large population cohorts (gnomAD); Truncating variants in this gene are considered pathogenic by a well-established clinical consortium and/or database; Identified in patients with colorectal or breast cancer (AlDubayan et al., 2018; Huang et al., 2018; Lu et al., 2019); This variant is associated with the following publications: (PMID: 28152038, 30787465, 20301390, 24362816, 18269114, 29703791, 30279230, 29478780, 29625052, 29922827, 35070997, 28514183, 30128536)

Sema4
Classification: Pathogenic for Hereditary cancer-predisposing syndrome. Last evaluated: 2022-02-17. Review status: criteria provided, single submitter. Criteria: Sema4 Curation Guidelines. Collection method: curation. Allele origin: germline.
Comment: The MSH6 c.742delC (p.R248EfsX31) variant has been reported in heterozygosity in multiple individuals with Lynch syndrome-associated cancers (PMID: 29478780, 29625052, 28514183, 30128536). This variant causes a frameshift at amino acid 248 that results in premature termination 31 amino acids downstream. This is expected to result in loss of function by premature protein truncation or nonsense-mediated mRNA decay. Loss of function variants in MSH6 are known to be pathogenic (PMID: 20301390). This variant was observed in 2/282566 chromosomes in the Genome Aggregation Database (PMID: 32461654, 18269114). This variant has been reported in ClinVar (Variation ID: 141365). Based on the current evidence available, this variant is interpreted as pathogenic.

Women's Health and Genetics/Laboratory Corporation of America, LabCorp
Classification: Pathogenic for Hereditary nonpolyposis colon cancer. Last evaluated: 2022-01-29. Review status: criteria provided, single submitter. Criteria: LabCorp Variant Classification Summary - May 2015. Collection method: clinical testing. Allele origin: germline.
Comment: Variant summary: MSH6 c.742delC (p.Arg248GlufsX31) results in a premature termination codon, predicted to cause a truncation of the encoded protein or absence of the protein due to nonsense mediated decay, which are commonly known mechanisms for disease. Truncations downstream of this position have been classified as pathogenic by our laboratory. The variant allele was found at a frequency of 4e-06 in 251158 control chromosomes. c.742delC has been reported in the literature in individuals affected with Hereditary cancers/colorectal cancers (example, Espenschied_2017, LaDuca_2017, AlDubayan_2018). These data indicate that the variant is likely to be associated with disease. To our knowledge, no experimental evidence demonstrating an impact on protein function has been reported. Four clinical diagnostic laboratories have submitted clinical-significance assessments for this variant to ClinVar after 2014 without evidence for independent evaluation. All laboratories classified the variant as pathogenic. Based on the evidence outlined above, the variant was classified as pathogenic.

Quest Diagnostics Nichols Institute San Juan Capistrano
Classification: Pathogenic. Last evaluated: 2020-01-08. Review status: criteria provided, single submitter. Criteria: Quest Diagnostics criteria. Collection method: clinical testing. Allele origin: unknown.
Comment: The variant results in a shift of the reading frame, and is therefore predicted to result in the loss of a functional protein. Found in at least one patient with expected phenotype for this gene, and not found in general population data.

Genesis Genomics
Classification: Pathogenic for Lynch syndrome 5. Review status: criteria provided, single submitter. Criteria: ACMG Guidelines, 2015. Collection method: clinical testing. Allele origin: germline. Affected: yes. Observed: 1 variant allele.

Literature cited by the submitters: PubMed 18269114 (cited by Labcorp Genetics (formerly Invitae), Labcorp and Sema4); PubMed 24362816 (cited by Labcorp Genetics (formerly Invitae), Labcorp); PubMed 28514183 (cited by 4 submitters); PubMed 28152038 (cited by 3 submitters); PubMed 29478780 (cited by 5 submitters); PubMed 29922827 (cited by Ambry Genetics and Quest Diagnostics Nichols Institute San Juan Capistrano); PubMed 30128536 (cited by 4 submitters); PubMed 29625052 (cited by All of Us Research Program, National Institutes of Health and Sema4); PubMed 35070997 (cited by All of Us Research Program, National Institutes of Health); PubMed 20301390 (cited by Sema4).